The following is an entry in ClinVar:

ClinVar aggregate classification (germline): Uncertain significance (1 of 4 stars; one submission).

Conditions:
Inborn genetic diseases. Identifiers: MedGen C0950123, MeSH D030342.

Submission:

Ambry Genetics
Classification: Uncertain significance for Inborn genetic diseases. Last evaluated: 2020-10-19. Review status: criteria provided, single submitter. Criteria: Ambry Variant Classification Scheme 2023. Collection method: clinical testing. Allele origin: germline.
Comment: The p.T1825R variant (also known as c.5474C>G), located in coding exon 10 of the SETX gene, results from a C to G substitution at nucleotide position 5474. The threonine at codon 1825 is replaced by arginine, an amino acid with similar properties. This amino acid position is poorly conserved in available vertebrate species. In addition, this alteration is predicted to be tolerated by in silico analysis. Since supporting evidence is limited at this time, the clinical significance of this alteration remains unclear.

NM_015046.7(SETX):c.5474C>G (p.Thr1825Arg)

Gene: SETX (senataxin; minus strand). Cytogenetic location: 9q34.13.
Variant type: single nucleotide variant.
Coding change: c.5474C>G on transcript NM_015046.7 (MANE Select); coding-DNA position 5474, C replaced by G.
Protein change: p.Thr1825Arg; replaces threonine 1825 with arginine.
Molecular consequence: missense variant.
Genome position (GRCh38, 1-based): chr9:132,300,704, G>C on the plus strand (C>G on the coding strand, the complement: SETX is on the minus strand). VCF-style: chr9-132300704-G-C. GRCh37 (hg19) VCF-style: chr9-135176091-G-C.
Other names: c.5474C>G, p.Thr1825Arg (NM_001351527.2, NM_001351528.2); short protein forms T1825R.
Identifiers: ClinVar variation 1747759 (VCV001747759.2), dbSNP rs2538980596, ClinGen allele CA375347981.
Genomic context (GRCh38, chr9:132,300,704, plus strand): 5'-CGAAATTTATGAACATAACCAGAATGATATTCGTGGAGATCTTGTATGTCATTTCTCTCT[G>C]TATCTTTCTTCTCTTCATTTATTCTCTCAGGAGCTAAAAACACCAAATCGTTTTCCTTTG-3'
Protein context (NP_055861.3, residues 1815-1835): PERINEEKKD[Thr1825Arg]ERNDIQDLHE